The following is an entry in ClinVar:

NM_032776.3(JMJD1C):c.3740C>T (p.Ser1247Leu)

Gene: JMJD1C (jumonji domain containing 1C; minus strand). Cytogenetic location: 10q21.3.
Variant type: single nucleotide variant.
Coding change: c.3740C>T on transcript NM_032776.3 (MANE Select); coding-DNA position 3740, C replaced by T.
Protein change: p.Ser1247Leu; replaces serine 1247 with leucine.
Molecular consequence: missense variant. On other transcripts: non-coding transcript variant (1).
Genome position (GRCh38, 1-based): chr10:63,207,929, G>A on the plus strand (C>T on the coding strand, the complement: JMJD1C is on the minus strand). VCF-style: chr10-63207929-G-A. GRCh37 (hg19) VCF-style: chr10-64967689-G-A.
Other names: c.3194C>T, p.Ser1065Leu (NM_001282948.2, NM_001318154.2); c.2876C>T, p.Ser959Leu (NM_001318153.2); c.3626C>T, p.Ser1209Leu (NM_001322252.2); c.3083C>T, p.Ser1028Leu (NM_001322254.2, NM_001322258.2); short protein forms S1247L, S1028L, S1209L, S1065L, S959L.
Identifiers: ClinVar variation 579950 (VCV000579950.8), dbSNP rs1564608409, ClinGen allele CA377040392.
Genomic context (GRCh38, chr10:63,207,929, plus strand): 5'-GAACTCTTAAAATTTGCCTGGGAGTCTTTTGGTTCGGGTATTAGAGTTGGAGGCTTCTGT[G>A]ATTCTTGAACTTTACCACCAGCATTTACTGGCATCACCGGAGTTAAAGTTGGAGGGGAAA-3'
Protein context (NP_116165.1, residues 1237-1257): PVNAGGKVQE[Ser1247Leu]QKPPTLIPEP

ClinVar aggregate classification (germline): Uncertain significance (1 of 4 stars; one submission).

Conditions:
Early Myoclonic Encephalopathy. Identifiers: MedGen C0270855.

Submission:

Labcorp Genetics (formerly Invitae), Labcorp
Classification: Uncertain significance for Early Myoclonic Encephalopathy. Last evaluated: 2022-01-06. Review status: criteria provided, single submitter. Criteria: Invitae Variant Classification Sherloc (09022015). Collection method: clinical testing. Allele origin: germline.
Comment: In summary, the available evidence is currently insufficient to determine the role of this variant in disease. Therefore, it has been classified as a Variant of Uncertain Significance. Algorithms developed to predict the effect of missense changes on protein structure and function output the following: SIFT: "Tolerated"; PolyPhen-2: "Benign"; Align-GVGD: "Class C0". The leucine amino acid residue is found in multiple mammalian species, which suggests that this missense change does not adversely affect protein function. ClinVar contains an entry for this variant (Variation ID: 579950). This variant has not been reported in the literature in individuals affected with JMJD1C-related conditions. This variant is not present in population databases (gnomAD no frequency). This sequence change replaces serine, which is neutral and polar, with leucine, which is neutral and non-polar, at codon 1247 of the JMJD1C protein (p.Ser1247Leu).